The following is an entry in ClinVar:

ClinVar aggregate classification (germline): Benign/Likely benign. Review status: criteria provided, multiple submitters, no conflicts (2 of 4 stars). 6 submissions from 6 submitters: Benign (5); Likely benign (1). Last evaluated 2026-02-04.

Conditions:
Retinal dystrophy. Also called: Inherited retinal dystrophy. Identifiers: Orphanet 71862, MedGen C0854723, MeSH D058499, MONDO:0019118, HP:0000556.
Short-rib thoracic dysplasia 10 with or without polydactyly (SRTD10). Identifiers: Orphanet 474, MedGen C3810175, MONDO:0014284, OMIM 615630.
Retinitis pigmentosa 71 (RP71). Identifiers: Orphanet 791, MedGen C4225342, MONDO:0014618, OMIM 616394.

Allele frequency attached by ClinVar (database versions not stated): 1000 Genomes Project 30x 0.00578; 1000 Genomes Project 0.00619; TOPMed 0.01106; gnomAD 0.01199 and 0.01256; ESP Exome Variant Server 0.01223; gnomAD exomes 0.01298 and 0.01802; ExAC 0.01329.
gnomAD v4.1: 27,965 of 1,614,152 alleles (1.7%); highest among the groups gnomAD compares: Non-Finnish European, 2%; 276 homozygotes.

Submissions (6):

Labcorp Genetics (formerly Invitae), Labcorp
Classification: Benign for Retinitis pigmentosa 71; Short-rib thoracic dysplasia 10 with or without polydactyly. Last evaluated: 2026-02-04. Review status: criteria provided, single submitter. Criteria: Invitae Variant Classification Sherloc (09022015). Collection method: clinical testing. Allele origin: germline.

Mayo Clinic Laboratories, Mayo Clinic
Classification: Benign. Last evaluated: 2025-09-07. Review status: criteria provided, single submitter. Criteria: ACMG Guidelines, 2015. Collection method: clinical testing. Allele origin: germline. Observed: 1 variant allele.
Comment: BS1, BS2, BP4_moderate

Blueprint Genetics
Classification: Likely benign. Last evaluated: 2024-11-20. Review status: criteria provided, single submitter. Criteria: ACMG Guidelines, 2015. Collection method: clinical testing. Allele origin: germline.

Dept Of Ophthalmology, Nagoya University
Classification: Benign for Retinal dystrophy. Last evaluated: 2023-10-01. Review status: criteria provided, single submitter. Criteria: Submitter's publication. Collection method: research. Allele origin: germline. Affected: yes.

GeneDx
Classification: Benign. Last evaluated: 2016-03-08. Review status: criteria provided, single submitter. Criteria: GeneDx Variant Classification (06012015). Collection method: clinical testing. Allele origin: germline. Affected: yes.
Comment: This variant is considered likely benign or benign based on one or more of the following criteria: it is a conservative change, it occurs at a poorly conserved position in the protein, it is predicted to be benign by multiple in silico algorithms, and/or has population frequency not consistent with disease.

Breakthrough Genomics
Classification: Benign. Review status: criteria provided, single submitter. Criteria: ACMG Guidelines, 2015. Collection method: not provided. Allele origin: germline. Inheritance: Autosomal recessive inheritance. Affected: yes.

NM_015662.3(IFT172):c.2723G>A (p.Arg908Gln)

Genes: IFT172 (intraflagellar transport 172; minus strand), LOC126806174 (CDK7 strongly-dependent group 2 enhancer GRCh37_chr2:27681686-27682885; plus strand). Cytogenetic location: 2p23.3.
Variant type: single nucleotide variant.
Coding change: c.2723G>A on transcript NM_015662.3 (MANE Select); coding-DNA position 2723, G replaced by A.
Protein change: p.Arg908Gln; replaces arginine 908 with glutamine.
Molecular consequence: missense variant.
Genome position (GRCh38, 1-based): chr2:27,459,442, C>T on the plus strand (G>A on the coding strand, the complement: IFT172 is on the minus strand). VCF-style: chr2-27459442-C-T. GRCh37 (hg19) VCF-style: chr2-27682309-C-T.
Other names: p.Arg908Gln; short protein forms R908Q.
Identifiers: ClinVar variation 379641 (VCV000379641.15), dbSNP rs61747073, ClinGen allele CA1580206.